The following is an entry in ClinVar:

NM_000059.4(BRCA2):c.375T>A (p.Asp125Glu)

Gene: BRCA2 (BRCA2 DNA repair associated; plus strand). Cytogenetic location: 13q13.1.
Variant type: single nucleotide variant.
Coding change: c.375T>A on transcript NM_000059.4 (MANE Select); coding-DNA position 375, T replaced by A.
Protein change: p.Asp125Glu; replaces aspartic acid 125 with glutamic acid.
Molecular consequence: missense variant.
Genome position (GRCh38, 1-based): chr13:32,325,134, T>A. VCF-style: chr13-32325134-T-A. GRCh37 (hg19) VCF-style: chr13-32899271-T-A.
Other names: short protein forms D125E.
Identifiers: ClinVar variation 51517 (VCV000051517.19), dbSNP rs80358616, ClinGen allele CA018731.
Genomic context (GRCh38, chr13:32,325,134, plus strand): 5'-AGGAAGGAATGTTCCCAATAGTAGACATAAAAGTCTTCGCACAGTGAAAACTAAAATGGA[T>A]CAAGCAGATGATGTTTCCTGTCCACTTCTAAATTCTTGTCTTAGTGAAAGGTATGATGAA-3'
Protein context (NP_000050.3, residues 115-135): KSLRTVKTKM[Asp125Glu]QADDVSCPLL

ClinVar aggregate classification (germline): Conflicting classifications of pathogenicity. Review status: criteria provided, conflicting classifications (1 of 4 stars). 9 submissions from 9 submitters: Uncertain significance (4); Likely benign (4). 1 of the submissions does not count toward it. Last evaluated 2024-01-19.

Conditions:
Hereditary breast ovarian cancer syndrome. Also called: Hereditary breast and ovarian cancer syndrome; Hereditary breast and ovarian cancer; Hereditary breast and ovarian cancer syndrome (HBOC); Breast and ovarian cancer; Hereditary breast and/or ovarian cancer syndrome; BRCA1- and BRCA2-Associated Hereditary Breast and Ovarian Cancer. Identifiers: Orphanet 145, MedGen C0677776, MeSH D061325, MONDO:0003582. Disease mechanism: loss of function.
Hereditary cancer-predisposing syndrome. Also called: Neoplastic Syndromes, Hereditary; Tumor predisposition; Hereditary Cancer Syndrome; Hereditary neoplastic syndrome. Identifiers: Orphanet 140162, MedGen C0027672, MeSH D009386, MONDO:0015356.
Breast-ovarian cancer, familial, susceptibility to, 2 (BROVCA2). Also called: BRCA2 Hereditary Breast and Ovarian Cancer. Identifiers: Orphanet 145, MedGen C2675520, MONDO:0012933, OMIM 612555. Disease mechanism: loss of function.

Allele frequency attached by ClinVar (database versions not stated): gnomAD exomes below 0.00001; gnomAD 0.00001.
gnomAD v4.1: 5 of 1,609,738 alleles (0.00031%); highest among the groups gnomAD compares: Non-Finnish European, 0.00043%; no homozygotes.

Submissions (9):

Labcorp Genetics (formerly Invitae), Labcorp
Classification: Uncertain significance for Hereditary breast ovarian cancer syndrome. Last evaluated: 2024-01-19. Review status: criteria provided, single submitter. Criteria: Invitae Variant Classification Sherloc (09022015). Collection method: clinical testing. Allele origin: germline.
Comment: This sequence change replaces aspartic acid, which is acidic and polar, with glutamic acid, which is acidic and polar, at codon 125 of the BRCA2 protein (p.Asp125Glu). This variant is not present in population databases (gnomAD no frequency). This missense change has been observed in individual(s) with breast and/or ovarian cancer (PMID: 10923033, 27062684). ClinVar contains an entry for this variant (Variation ID: 51517). Advanced modeling of protein sequence and biophysical properties (such as structural, functional, and spatial information, amino acid conservation, physicochemical variation, residue mobility, and thermodynamic stability) performed at Invitae indicates that this missense variant is not expected to disrupt BRCA2 protein function with a negative predictive value of 95%. In summary, the available evidence is currently insufficient to determine the role of this variant in disease. Therefore, it has been classified as a Variant of Uncertain Significance.

All of Us Research Program, National Institutes of Health
Classification: Likely benign for Breast-ovarian cancer, familial, susceptibility to, 2. Last evaluated: 2023-02-24. Review status: criteria provided, single submitter. Criteria: ACMG Guidelines, 2015. Collection method: clinical testing. Allele origin: germline. Inheritance: Autosomal dominant inheritance. Observed: 1 variant allele, 1 heterozygote.
Comment: This study involves interpretation of variants in research participants for the purpose of population health screening. Participant phenotype was not available at the time of variant classification. Additional details can be found in publication PMID: 35346344, PMCID: PMC8962531

Sema4
Classification: Uncertain significance for Hereditary cancer-predisposing syndrome. Last evaluated: 2021-08-24. Review status: criteria provided, single submitter. Criteria: Sema4 Curation Guidelines. Collection method: curation. Allele origin: germline.
Comment: The BRCA2 c.375T>A (p.D125E) variant has been reported in heterozygosity in at least one family with hereditary breast and/or ovarian cancer (PMID: 27062684). This variant is not reported in the control populations of the Genome Aggregation Database (PMID: 32461654). The variant has been reported in ClinVar (Variation ID 51517). Functional studies have not been performed, and in silico predictions of the variant's effect on protein function are inconclusive. The evidence is insufficient to meet ACMG/AMP criteria for classifying the variant as benign or pathogenic. Thus, the clinical significance of this variant is currently uncertain.

Mendelics
Classification: Uncertain significance for Breast-ovarian cancer, familial, susceptibility to, 2. Last evaluated: 2019-05-28. Review status: criteria provided, single submitter. Criteria: Mendelics Assertion Criteria 2017. Collection method: clinical testing. Allele origin: unknown.

Color Diagnostics, LLC DBA Color Health
Classification: Likely benign for Hereditary cancer-predisposing syndrome. Last evaluated: 2018-09-09. Review status: criteria provided, single submitter. Criteria: ACMG Guidelines, 2015. Collection method: clinical testing. Allele origin: germline.

GeneDx
Classification: Likely benign. Last evaluated: 2018-07-05. Review status: criteria provided, single submitter. Criteria: GeneDx Variant Classification Process June 2021. Collection method: clinical testing. Allele origin: germline. Affected: yes.
Comment: This variant is associated with the following publications: (PMID: 27062684)

Ambry Genetics
Classification: Likely benign for Hereditary cancer-predisposing syndrome. Last evaluated: 2018-04-05. Review status: criteria provided, single submitter. Criteria: Ambry Variant Classification Scheme 2023. Collection method: clinical testing. Allele origin: germline.

Women's Health and Genetics/Laboratory Corporation of America, LabCorp
Classification: Uncertain significance. Last evaluated: 2016-10-31. Review status: criteria provided, single submitter. Criteria: LabCorp Variant Classification Summary - May 2015. Collection method: clinical testing. Allele origin: germline.
Comment: Variant summary: The BRCA2 c.375T>A (p.Asp125Glu) variant causes a missense change involving a non-conserved nucleotide with 3/5 in silico tools predict a benign outcome, although these predictions have yet to be functionally assessed. The variant of interest has not been observed in controls (ExAC, 1000 Gs, or ESP). The variant of interest has been reported in one affected family via a publication, although with limited available information (ie lack of co-occurrence and cosegregation data). Multiple reputable clinical diagnostic laboratories/databases cite the variant with conflicting classifications "uncertain significance" or "likely benign." BIC reports the variant to co-occur with another pathogenic BRCA1 variant, c.5266dupC (p.Gln1756Profs - classified as pathogenic by LCA). Therefore, taking all available lines of evidence into consideration, the variant of interest has been classified as a "Variant of Uncertain Significance (VUS)," until additional information becomes available.

Breast Cancer Information Core (BIC) (BRCA2)
Classification: Uncertain significance for Breast-ovarian cancer, familial 2. Last evaluated: 2002-05-29. Review status: no assertion criteria provided. Collection method: clinical testing. Allele origin: germline. Affected: yes. Observed: 1 variant allele. Not counted in ClinVar's aggregate classification.

Literature cited by the submitters: PubMed 10923033 (cited by Labcorp Genetics (formerly Invitae), Labcorp); PubMed 27062684 (cited by Labcorp Genetics (formerly Invitae), Labcorp and Sema4).